The following is an entry in ClinVar:

NM_000059.4(BRCA2):c.211T>G (p.Tyr71Asp)

Gene: BRCA2 (BRCA2 DNA repair associated; plus strand). Cytogenetic location: 13q13.1.
Variant type: single nucleotide variant.
Coding change: c.211T>G on transcript NM_000059.4 (MANE Select); coding-DNA position 211, T replaced by G.
Protein change: p.Tyr71Asp; replaces tyrosine 71 with aspartic acid.
Molecular consequence: missense variant. On other transcripts: 5 prime UTR variant (1), non-coding transcript variant (1).
Genome position (GRCh38, 1-based): chr13:32,319,220, T>G. VCF-style: chr13-32319220-T-G. GRCh37 (hg19) VCF-style: chr13-32893357-T-G.
Other names: c.211T>G, p.Tyr71Asp (NM_001406719.1, NM_001406720.1, NM_001406721.1); c.-159T>G (NM_001406722.1); short protein forms Y71D.
Identifiers: ClinVar variation 2836888 (VCV002836888.3), dbSNP rs2548511351, ClinGen allele CA387754430.

ClinVar aggregate classification (germline): Uncertain significance (1 of 4 stars; one submission).

Conditions:
Hereditary breast ovarian cancer syndrome. Also called: Hereditary breast and ovarian cancer syndrome (HBOC); Breast and ovarian cancer; BRCA1- and BRCA2-Associated Hereditary Breast and Ovarian Cancer; Hereditary breast and ovarian cancer syndrome; Hereditary breast and ovarian cancer; Hereditary breast and/or ovarian cancer syndrome. Identifiers: Orphanet 145, MedGen C0677776, MeSH D061325, MONDO:0003582. Disease mechanism: loss of function.

Submission:

Labcorp Genetics (formerly Invitae), Labcorp
Classification: Uncertain significance for Hereditary breast ovarian cancer syndrome. Last evaluated: 2023-02-14. Review status: criteria provided, single submitter. Criteria: Invitae Variant Classification Sherloc (09022015). Collection method: clinical testing. Allele origin: germline.
Comment: Advanced modeling of protein sequence and biophysical properties (such as structural, functional, and spatial information, amino acid conservation, physicochemical variation, residue mobility, and thermodynamic stability) performed at Invitae indicates that this missense variant is not expected to disrupt BRCA2 protein function. This sequence change replaces tyrosine, which is neutral and polar, with aspartic acid, which is acidic and polar, at codon 71 of the BRCA2 protein (p.Tyr71Asp). This variant is not present in population databases (gnomAD no frequency). This variant has not been reported in the literature in individuals affected with BRCA2-related conditions. In summary, the available evidence is currently insufficient to determine the role of this variant in disease. Therefore, it has been classified as a Variant of Uncertain Significance.